The following is an entry in ClinVar:

NM_001430.5(EPAS1):c.1005G>T (p.Gln335His)

Gene: EPAS1 (endothelial PAS domain protein 1; plus strand). Cytogenetic location: 2p21.
Variant type: single nucleotide variant.
Coding change: c.1005G>T on transcript NM_001430.5 (MANE Select); coding-DNA position 1005, G replaced by T.
Protein change: p.Gln335His; replaces glutamine 335 with histidine.
Molecular consequence: missense variant.
Genome position (GRCh38, 1-based): chr2:46,375,808, G>T. VCF-style: chr2-46375808-G-T. GRCh37 (hg19) VCF-style: chr2-46602947-G-T.
Other names: short protein forms Q335H.
Identifiers: ClinVar variation 2626642 (VCV002626642.2), dbSNP rs2546470370, ClinGen allele CA346702949.

ClinVar aggregate classification (germline): Uncertain significance (1 of 4 stars; one submission).

Conditions:
Inborn genetic diseases. Identifiers: MedGen C0950123, MeSH D030342.

Allele frequency attached by ClinVar (database versions not stated): gnomAD exomes below 0.00001.
gnomAD v4.1: 1 of 1,614,240 alleles (0.000062%); highest among the groups gnomAD compares: Non-Finnish European, 0.000085%; no homozygotes.

Submission:

Ambry Genetics
Classification: Uncertain significance for Inborn genetic diseases. Last evaluated: 2023-07-10. Review status: criteria provided, single submitter. Criteria: Ambry Variant Classification Scheme 2023. Collection method: clinical testing. Allele origin: germline.
Comment: The p.Q335H variant (also known as c.1005G>T), located in coding exon 8 of the EPAS1 gene, results from a G to T substitution at nucleotide position 1005. The glutamine at codon 335 is replaced by histidine, an amino acid with highly similar properties. This amino acid position is conserved. In addition, the in silico prediction for this alteration is inconclusive. Since supporting evidence is limited at this time, the clinical significance of this alteration remains unclear.